The following is an entry in ClinVar:

ClinVar aggregate classification (germline): Uncertain significance. Review status: criteria provided, multiple submitters, no conflicts (2 of 4 stars). 3 submissions from 3 submitters: Uncertain significance (2). 1 of the submissions does not count toward it. Last evaluated 2023-08-17.

Conditions:
Coffin-Siris syndrome 1 (CSS1). Also called: ARID1B-Related Coffin-Siris Syndrome; Mental retardation, autosomal dominant 12. Identifiers: Orphanet 1465, MedGen C3281201, MONDO:0007617, OMIM 135900. Disease mechanism: gain of function.

Allele frequency attached by ClinVar (database versions not stated): gnomAD exomes below 0.00001; TOPMed 0.00003; gnomAD 0.00004.
gnomAD v4.1: 14 of 1,613,750 alleles (0.00087%); highest among the groups gnomAD compares: East Asian, 0.0022%; no homozygotes.

Submissions (3):

Labcorp Genetics (formerly Invitae), Labcorp
Classification: Uncertain significance. Last evaluated: 2023-08-17. Review status: criteria provided, single submitter. Criteria: Invitae Variant Classification Sherloc (09022015). Collection method: clinical testing. Allele origin: germline.
Comment: This sequence change replaces glutamic acid, which is acidic and polar, with lysine, which is basic and polar, at codon 1828 of the ARID1B protein (p.Glu1828Lys). Advanced modeling of protein sequence and biophysical properties (such as structural, functional, and spatial information, amino acid conservation, physicochemical variation, residue mobility, and thermodynamic stability) has been performed at Invitae for this missense variant, however the output from this modeling did not meet the statistical confidence thresholds required to predict the impact of this variant on ARID1B protein function. ClinVar contains an entry for this variant (Variation ID: 632549). This variant has not been reported in the literature in individuals affected with ARID1B-related conditions. This variant is present in population databases (no rsID available, gnomAD 0.0009%). In summary, the available evidence is currently insufficient to determine the role of this variant in disease. Therefore, it has been classified as a Variant of Uncertain Significance.

Mendelics
Classification: Uncertain significance. Last evaluated: 2022-05-04. Review status: criteria provided, single submitter. Criteria: Mendelics Assertion Criteria 2019. Collection method: clinical testing. Allele origin: germline.

Institute of Human Genetics, Cologne University
Classification: Likely pathogenic for Coffin-Siris syndrome 1. Review status: no assertion criteria provided. Collection method: clinical testing. Allele origin: de novo. Inheritance: Autosomal dominant inheritance. Affected: yes. Not counted in ClinVar's aggregate classification.

NM_001374828.1(ARID1B):c.5851G>A (p.Glu1951Lys)

Gene: ARID1B (AT-rich interaction domain 1B; plus strand). Cytogenetic location: 6q25.3.
Variant type: single nucleotide variant.
Coding change: c.5851G>A on transcript NM_001374828.1 (MANE Select); coding-DNA position 5851, G replaced by A.
Protein change: p.Glu1951Lys; replaces glutamic acid 1951 with lysine.
Molecular consequence: missense variant.
Genome position (GRCh38, 1-based): chr6:157,206,623, G>A. VCF-style: chr6-157206623-G-A. GRCh37 (hg19) VCF-style: chr6-157527757-G-A.
Other names: c.5482G>A, p.Glu1828Lys (NM_020732.3); c.3352G>A, p.Glu1118Lys (NM_001363725.2); c.5731G>A, p.Glu1911Lys (NM_001371656.1, NM_001374820.1); c.5692G>A, p.Glu1898Lys (NM_017519.3); short protein forms E1828K, E1118K, E1898K, E1911K, E1951K.
Identifiers: ClinVar variation 632549 (VCV000632549.8), dbSNP rs1451259945, ClinGen allele CA366246988.